The following is an entry in ClinVar:

NM_000038.6(APC):c.2804A>G (p.Tyr935Cys)

Gene: APC (APC regulator of Wnt signaling pathway; plus strand). Cytogenetic location: 5q22.2.
Variant type: single nucleotide variant.
Coding change: c.2804A>G on transcript NM_000038.6 (MANE Select); coding-DNA position 2804, A replaced by G.
Protein change: p.Tyr935Cys; replaces tyrosine 935 with cysteine.
Molecular consequence: missense variant.
Genome position (GRCh38, 1-based): chr5:112,838,398, A>G. VCF-style: chr5-112838398-A-G. GRCh37 (hg19) VCF-style: chr5-112174095-A-G.
Other names: c.2804A>G, p.Tyr935Cys (NM_001127510.3, NM_001354895.2); c.2750A>G, p.Tyr917Cys (NM_001127511.3); c.2858A>G, p.Tyr953Cys (NM_001354896.2); c.2834A>G, p.Tyr945Cys (NM_001354897.2); c.2729A>G, p.Tyr910Cys (NM_001354898.2); c.2720A>G, p.Tyr907Cys (NM_001354899.2); c.2681A>G, p.Tyr894Cys (NM_001354900.2); c.2627A>G, p.Tyr876Cys (NM_001354901.2); and 5 more; short protein forms Y917C, Y935C, Y844C, Y876C, Y809C, Y894C, Y953C, Y652C.
Identifiers: ClinVar variation 559950 (VCV000559950.11), dbSNP rs1554084481, ClinGen allele CA16027446.

ClinVar aggregate classification (germline): Uncertain significance. Review status: criteria provided, multiple submitters, no conflicts (2 of 4 stars). 4 submissions from 4 submitters: Uncertain significance (3). 1 of the submissions does not count toward it. Last evaluated 2024-08-09.

Conditions:
Familial adenomatous polyposis 1 (FAP1). Also called: FAMILIAL ADENOMATOUS POLYPOSIS 1, ATTENUATED; POLYPOSIS, ADENOMATOUS INTESTINAL. Identifiers: MedGen C2713442, MONDO:0021056, OMIM 175100. Disease mechanism: loss of function.
Hereditary cancer-predisposing syndrome. Also called: Hereditary neoplastic syndrome; Neoplastic Syndromes, Hereditary; Tumor predisposition; Hereditary Cancer Syndrome. Identifiers: Orphanet 140162, MedGen C0027672, MeSH D009386, MONDO:0015356.
Neoplasm of the liver. Identifiers: MedGen C0023903, HP:0002896.

Submissions (4):

Ambry Genetics
Classification: Uncertain significance for Hereditary cancer-predisposing syndrome. Last evaluated: 2024-08-09. Review status: criteria provided, single submitter. Criteria: Ambry Variant Classification Scheme 2023. Collection method: clinical testing. Allele origin: germline.
Comment: The p.Y935C variant (also known as c.2804A>G), located in coding exon 15 of the APC gene, results from an A to G substitution at nucleotide position 2804. The tyrosine at codon 935 is replaced by cysteine, an amino acid with highly dissimilar properties. This amino acid position is conserved. In addition, in silico predictors for this gene do not accurately predict pathogenicity. Based on the available evidence, the clinical significance of this variant remains unclear.

Labcorp Genetics (formerly Invitae), Labcorp
Classification: Uncertain significance for Familial adenomatous polyposis 1. Last evaluated: 2022-09-07. Review status: criteria provided, single submitter. Criteria: Invitae Variant Classification Sherloc (09022015). Collection method: clinical testing. Allele origin: germline.
Comment: ClinVar contains an entry for this variant (Variation ID: 559950). This variant has not been reported in the literature in individuals affected with APC-related conditions. This variant is not present in population databases (gnomAD no frequency). This sequence change replaces tyrosine, which is neutral and polar, with cysteine, which is neutral and slightly polar, at codon 935 of the APC protein (p.Tyr935Cys). Algorithms developed to predict the effect of missense changes on protein structure and function (SIFT, PolyPhen-2, Align-GVGD) all suggest that this variant is likely to be tolerated. In summary, the available evidence is currently insufficient to determine the role of this variant in disease. Therefore, it has been classified as a Variant of Uncertain Significance.

GeneDx
Classification: Uncertain significance. Last evaluated: 2022-08-03. Review status: criteria provided, single submitter. Criteria: GeneDx Variant Classification Process June 2021. Collection method: clinical testing. Allele origin: germline. Affected: yes.
Comment: Not observed at significant frequency in large population cohorts (gnomAD); In silico analysis supports that this missense variant does not alter protein structure/function; Has not been previously published as pathogenic or benign to our knowledge

3DMed Clinical Laboratory Inc
Classification: Uncertain significance for Neoplasm of the liver. Last evaluated: 2017-05-08. Review status: no assertion criteria provided. Criteria: ACMG Guidelines, 2015. Collection method: clinical testing. Allele origin: germline. Affected: yes. Not counted in ClinVar's aggregate classification.